The following is an entry in ClinVar:

NM_005518.4(HMGCS2):c.1016+1G>A

Gene: HMGCS2 (3-hydroxy-3-methylglutaryl-CoA synthase 2; minus strand). Cytogenetic location: 1p12.
Variant type: single nucleotide variant.
Coding change: c.1016+1G>A on transcript NM_005518.4 (MANE Select); the canonical splice donor site of the intron after coding-DNA position 1016, G replaced by A.
Molecular consequence: splice donor variant.
Genome position (GRCh38, 1-based): chr1:119,757,272, C>T on the plus strand (G>A on the coding strand, the complement: HMGCS2 is on the minus strand). VCF-style: chr1-119757272-C-T. GRCh37 (hg19) VCF-style: chr1-120299895-C-T.
Other names: c.890+1G>A (NM_001166107.1).
Identifiers: ClinVar variation 1453176 (VCV001453176.8), dbSNP rs771607178, ClinGen allele CA1037715.

ClinVar aggregate classification (germline): Pathogenic. Review status: criteria provided, multiple submitters, no conflicts (2 of 4 stars). 4 submissions from 4 submitters: Pathogenic (4). Last evaluated 2026-02-25.

Conditions:
HMGCS2-related disorders.
3-hydroxy-3-methylglutaryl-CoA synthase deficiency (HMGCS2D). Also called: HMGCS2 DEFICIENCY; HMG-CoA synthase-2 deficiency; MITOCHONDRIAL HMG-CoA SYNTHASE DEFICIENCY. Identifiers: Orphanet 35701, MedGen C2751532, MONDO:0011614, OMIM 605911.

Allele frequency attached by ClinVar (database versions not stated): ExAC 0.00002; gnomAD exomes 0.00004; TOPMed 0.00004; gnomAD 0.00006.

Submissions (4):

GeneDx
Classification: Pathogenic. Last evaluated: 2026-02-25. Review status: criteria provided, single submitter. Criteria: GeneDx Variant Classification Process June 2021. Collection method: clinical testing. Allele origin: germline.
Comment: Canonical splice site variant predicted to result in a null allele in a gene for which loss of function is a known mechanism of disease; Not observed at significant frequency in large population cohorts (gnomAD); This variant is associated with the following publications: (PMID: 25511235, 28074886, 32905056, 12072887)

Labcorp Genetics (formerly Invitae), Labcorp
Classification: Pathogenic for 3-hydroxy-3-methylglutaryl-CoA synthase deficiency. Last evaluated: 2025-11-28. Review status: criteria provided, single submitter. Criteria: Invitae Variant Classification Sherloc (09022015). Collection method: clinical testing. Allele origin: germline.
Comment: This sequence change affects a donor splice site in intron 5 of the HMGCS2 gene. It is expected to disrupt RNA splicing. Variants that disrupt the donor or acceptor splice site typically lead to a loss of protein function (PMID: 16199547), and loss-of-function variants in HMGCS2 are known to be pathogenic (PMID: 20346956, 23751782, 25511235). This variant is present in population databases (rs771607178, gnomAD 0.009%). Disruption of this splice site has been observed in individual(s) with 3-hydroxy-3-methylglutaryl-CoA synthase deficiency (PMID: 12072887). In at least one individual the data is consistent with being in trans (on the opposite chromosome) from a pathogenic variant. This variant is also known as IVS5+1g>a. ClinVar contains an entry for this variant (Variation ID: 1453176). Algorithms developed to predict the effect of sequence changes on RNA splicing suggest that this variant may disrupt the consensus splice site. For these reasons, this variant has been classified as Pathogenic.

Blueprint Genetics
Classification: Pathogenic for HMGCS2-related disorders. Last evaluated: 2023-08-10. Review status: criteria provided, single submitter. Criteria: ACMG Guidelines, 2015. Collection method: clinical testing. Allele origin: germline. Affected: yes. Observed: 4 variant alleles.

Baylor Genetics
Classification: Pathogenic for 3-hydroxy-3-methylglutaryl-CoA synthase deficiency. Last evaluated: 2022-04-18. Review status: criteria provided, single submitter. Criteria: ACMG Guidelines, 2015. Collection method: clinical testing. Allele origin: unknown.

Literature cited by the submitters: PubMed 16199547 (cited by Labcorp Genetics (formerly Invitae), Labcorp); PubMed 20346956 (cited by Labcorp Genetics (formerly Invitae), Labcorp); PubMed 23751782 (cited by Labcorp Genetics (formerly Invitae), Labcorp); PubMed 25511235 (cited by Labcorp Genetics (formerly Invitae), Labcorp); PubMed 12072887 (cited by Labcorp Genetics (formerly Invitae), Labcorp).